The following is an entry in ClinVar:

ClinVar aggregate classification (germline): Uncertain significance (1 of 4 stars; one submission).

gnomAD v4.1: 2 of 1,614,186 alleles (0.00012%); highest among the groups gnomAD compares: Non-Finnish European, 0.00017%; no homozygotes.

Submission:

Labcorp Genetics (formerly Invitae), Labcorp
Classification: Uncertain significance. Last evaluated: 2025-04-28. Review status: criteria provided, single submitter. Criteria: Invitae Variant Classification Sherloc (09022015). Collection method: clinical testing. Allele origin: germline.
Comment: This sequence change replaces threonine, which is neutral and polar, with proline, which is neutral and non-polar, at codon 287 of the NDUFV1 protein (p.Thr287Pro). This variant is not present in population databases (gnomAD no frequency). This variant has not been reported in the literature in individuals affected with NDUFV1-related conditions. ClinVar contains an entry for this variant (Variation ID: 3720799). Invitae Evidence Modeling of protein sequence and biophysical properties (such as structural, functional, and spatial information, amino acid conservation, physicochemical variation, residue mobility, and thermodynamic stability) has been performed for this missense variant. However, the output from this modeling did not meet the statistical confidence thresholds required to predict the impact of this variant on NDUFV1 protein function. In summary, the available evidence is currently insufficient to determine the role of this variant in disease. Therefore, it has been classified as a Variant of Uncertain Significance.

NM_007103.4(NDUFV1):c.859A>C (p.Thr287Pro)

Gene: NDUFV1 (NADH:ubiquinone oxidoreductase core subunit V1; plus strand). Cytogenetic location: 11q13.2.
Variant type: single nucleotide variant.
Coding change: c.859A>C on transcript NM_007103.4 (MANE Select); coding-DNA position 859, A replaced by C.
Protein change: p.Thr287Pro; replaces threonine 287 with proline.
Molecular consequence: missense variant.
Genome position (GRCh38, 1-based): chr11:67,611,153, A>C. VCF-style: chr11-67611153-A-C. GRCh37 (hg19) VCF-style: chr11-67378624-A-C.
Other names: c.832A>C, p.Thr278Pro (NM_001166102.2); short protein forms T278P, T287P.
Identifiers: ClinVar variation 3720799 (VCV003720799.2).